The following is an entry in ClinVar:

NM_174936.4(PCSK9):c.1334C>A (p.Pro445His)

Gene: PCSK9 (proprotein convertase subtilisin/kexin type 9; plus strand). Cytogenetic location: 1p32.3.
Variant type: single nucleotide variant.
Coding change: c.1334C>A on transcript NM_174936.4 (MANE Select); coding-DNA position 1334, C replaced by A.
Protein change: p.Pro445His; replaces proline 445 with histidine.
Molecular consequence: missense variant.
Genome position (GRCh38, 1-based): chr1:55,058,189, C>A. VCF-style: chr1-55058189-C-A. GRCh37 (hg19) VCF-style: chr1-55523862-C-A.
Other names: short protein forms P445H.
Identifiers: ClinVar variation 927125 (VCV000927125.7), dbSNP rs769060209, ClinGen allele CA22764252.
Genomic context (GRCh38, chr1:55,058,189, plus strand): 5'-ATGAGGCCTGGTTCCCTGAGGACCAGCGGGTACTGACCCCCAACCTGGTGGCCGCCCTGC[C>A]CCCCAGCACCCATGGGGCAGGTAAGCAGGATGGCAGGGTGGGCAAGTCCAGGCTGGGGCT-3'
Protein context (NP_777596.2, residues 435-455): VLTPNLVAAL[Pro445His]PSTHGAGWQL

ClinVar aggregate classification (germline): Uncertain significance. Review status: criteria provided, multiple submitters, no conflicts (2 of 4 stars). 3 submissions from 3 submitters: Uncertain significance (3). Last evaluated 2025-08-07.

Conditions:
Hypercholesterolemia, autosomal dominant, 3 (FHCL3). Also called: PCSK9-Related Familial Hypercholesterolemia, Autosomal Dominant; Familial hypercholesterolemia 3; Familial Hypercholesterolemia, Autosomal Dominant, 3. Identifiers: MedGen C1863551, MONDO:0011369, OMIM 603776.
Cardiovascular phenotype. Identifiers: MedGen CN230736.
Familial hypercholesterolemia. Also called: Familial hypercholesterolaemia; Familial hypercholesterolemias. Identifiers: MedGen C0020445, MONDO:0005439.

Allele frequency attached by ClinVar (database versions not stated): TOPMed 0.00001.

Submissions (3):

Ambry Genetics
Classification: Uncertain significance for Cardiovascular phenotype. Last evaluated: 2025-08-07. Review status: criteria provided, single submitter. Criteria: Ambry Variant Classification Scheme 2023. Collection method: clinical testing. Allele origin: germline.

Color Diagnostics, LLC DBA Color Health
Classification: Uncertain significance for Familial hypercholesterolemia. Last evaluated: 2024-03-06. Review status: criteria provided, single submitter. Criteria: ACMG Guidelines, 2015. Collection method: clinical testing. Allele origin: germline.
Comment: This missense variant replaces proline with histidine at codon 445 of the PCSK9 protein. Computational prediction suggests that this variant may not impact protein structure and function (internally defined REVEL score threshold <= 0.5, PMID: 27666373). To our knowledge, functional studies have not been reported for this variant. This variant has not been reported in individuals affected with PCSK9-related disorders in the literature. This variant has not been identified in the general population by the Genome Aggregation Database (gnomAD). The available evidence is insufficient to determine the role of this variant in disease conclusively. Therefore, this variant is classified as a Variant of Uncertain Significance.

All of Us Research Program, National Institutes of Health
Classification: Uncertain significance for Hypercholesterolemia, autosomal dominant, 3. Last evaluated: 2023-05-16. Review status: criteria provided, single submitter. Criteria: ACMG Guidelines, 2015. Collection method: clinical testing. Allele origin: germline. Inheritance: Autosomal dominant inheritance. Observed: 1 variant allele, 1 heterozygote.
Comment: This missense variant replaces proline with histidine at codon 445 of the PCSK9 protein. Computational prediction suggests that this variant may not impact protein structure and function (internally defined REVEL score threshold <= 0.5, PMID: 27666373). Splice site prediction tools suggest that this variant may not impact RNA splicing. To our knowledge, functional studies have not been performed for this variant. This variant has not been reported in individuals affected with familial hypercholesterolemia in the literature. This variant has not been identified in the general population by the Genome Aggregation Database (gnomAD). The available evidence is insufficient to determine the role of this variant in disease conclusively. Therefore, this variant is classified as a Variant of Uncertain Significance.

This study involves interpretation of variants in research participants for the purpose of population health screening. Participant phenotype was not available at the time of variant classification. Additional details can be found in publication PMID: 35346344, PMCID: PMC8962531